The following is an entry in ClinVar:

NM_000158.4(GBE1):c.1619-3C>T

Gene: GBE1 (1,4-alpha-glucan branching enzyme 1; minus strand). Cytogenetic location: 3p12.2.
Variant type: single nucleotide variant.
Coding change: c.1619-3C>T on transcript NM_000158.4 (MANE Select); 3 bases into the intron before coding-DNA position 1619, C replaced by T.
Molecular consequence: intron variant.
Genome position (GRCh38, 1-based): chr3:81,537,098, G>A on the plus strand (C>T on the coding strand, the complement: GBE1 is on the minus strand). VCF-style: chr3-81537098-G-A. GRCh37 (hg19) VCF-style: chr3-81586249-G-A.
Identifiers: ClinVar variation 2174357 (VCV002174357.1), dbSNP rs1256116852, ClinGen allele CA544502702.
Genomic context (GRCh38, chr3:81,537,098, plus strand): 5'-CTCTCATTATTTCCTTTTCTTGGGAAGTCTAACCATTCAGGATGCCCAAATTCATTACCT[G>A]CATTACAAAACACATGCAAATATCAGCCTATTAATATTAGAATTTCTTACTAATAATAAA-3'

ClinVar aggregate classification (germline): Uncertain significance (1 of 4 stars; one submission).

Conditions:
Glycogen storage disease, type IV (GSD4). Also called: Glycogen storage disease due to glycogen branching enzyme deficiency; CIRRHOSIS, FAMILIAL, WITH DEPOSITION OF ABNORMAL GLYCOGEN; GBE1 DEFICIENCY; GLYCOGEN BRANCHING ENZYME DEFICIENCY; GLYCOGENOSIS IV; GSD IV. Identifiers: Orphanet 367, MedGen C0017923, MONDO:0009292, OMIM 232500.
Glycogen storage disease IV, classic hepatic. Also called: GSD IV, CLASSIC HEPATIC. Identifiers: MedGen C1856301.

Allele frequency attached by ClinVar (database versions not stated): gnomAD exomes below 0.00001; gnomAD 0.00001.
gnomAD v4.1: 6 of 1,496,854 alleles (0.0004%); highest among the groups gnomAD compares: South Asian, 0.0014%; no homozygotes.

Submission:

Labcorp Genetics (formerly Invitae), Labcorp
Classification: Uncertain significance for Glycogen storage disease, type IV; Glycogen storage disease IV, classic hepatic. Last evaluated: 2022-01-02. Review status: criteria provided, single submitter. Criteria: Invitae Variant Classification Sherloc (09022015). Collection method: clinical testing. Allele origin: germline.
Comment: This sequence change falls in intron 12 of the GBE1 gene. It does not directly change the encoded amino acid sequence of the GBE1 protein. It affects a nucleotide within the consensus splice site. The frequency data for this variant in the population databases is considered unreliable, as metrics indicate poor data quality at this position in the gnomAD database. This variant has not been reported in the literature in individuals affected with GBE1-related conditions. Variants that disrupt the consensus splice site are a relatively common cause of aberrant splicing (PMID: 17576681, 9536098). Algorithms developed to predict the effect of sequence changes on RNA splicing suggest that this variant may create or strengthen a splice site. In summary, the available evidence is currently insufficient to determine the role of this variant in disease. Therefore, it has been classified as a Variant of Uncertain Significance.

Literature cited by the submitters: PubMed 17576681; PubMed 9536098.